The following is an entry in ClinVar:

NM_004656.4(BAP1):c.2187G>T (p.Gln729His)

Gene: BAP1 (BRCA1 associated deubiquitinase 1; minus strand). Cytogenetic location: 3p21.1.
Variant type: single nucleotide variant.
Coding change: c.2187G>T on transcript NM_004656.4 (MANE Select); coding-DNA position 2187, G replaced by T.
Protein change: p.Gln729His; replaces glutamine 729 with histidine.
Molecular consequence: missense variant.
Genome position (GRCh38, 1-based): chr3:52,402,291, C>A on the plus strand (G>T on the coding strand, the complement: BAP1 is on the minus strand). VCF-style: chr3-52402291-C-A. GRCh37 (hg19) VCF-style: chr3-52436307-C-A.
Other names: c.2187G>T (NM_004656.2); short protein forms Q729H.
Identifiers: ClinVar variation 857610 (VCV000857610.8), dbSNP rs1341689711, ClinGen allele CA353093852.
Genomic context (GRCh38, chr3:52,402,291, plus strand): 5'-GGACCCTGGTGAGGGCCACACGGCAAGAGTGGGCTGCAGAGTCAGGGCCAGCAGTCCTCA[C>A]TGGCGCTTGGCCTTGTAGGGGCGAGAGCGTTTCCGCCGGTCAGGCTTCCGCTGCTTGTGG-3'
Protein context (NP_004647.1, residues 719-729): KRSRPYKAKR[Gln729His]

ClinVar aggregate classification (germline): Conflicting classifications of pathogenicity. Review status: criteria provided, conflicting classifications (1 of 4 stars). 2 submissions from 2 submitters: Uncertain significance (1); Benign (1). Last evaluated 2025-06-24.

Conditions:
Hereditary cancer-predisposing syndrome. Also called: Tumor predisposition; Hereditary neoplastic syndrome; Neoplastic Syndromes, Hereditary; Hereditary Cancer Syndrome. Identifiers: Orphanet 140162, MedGen C0027672, MeSH D009386, MONDO:0015356.
BAP1-related tumor predisposition syndrome (TPDS1). Also called: COMMON Syndrome; Tumor susceptibility linked to germline BAP1 mutations; TUMOR PREDISPOSITION SYNDROME 1; BAP1 tumor predisposition syndrome. Identifiers: Orphanet 289539, MedGen C3280492, MONDO:0013692, OMIM 614327.

Allele frequency attached by ClinVar (database versions not stated): TOPMed below 0.00001.
gnomAD v4.1: 1 of 1,601,192 alleles (0.000062%); highest among the groups gnomAD compares: Non-Finnish European, 0.000085%; no homozygotes.

Submissions (2):

Ambry Genetics
Classification: Benign for Hereditary cancer-predisposing syndrome. Last evaluated: 2025-06-24. Review status: criteria provided, single submitter. Criteria: Ambry Variant Classification Scheme 2023. Collection method: clinical testing. Allele origin: germline.

Labcorp Genetics (formerly Invitae), Labcorp
Classification: Uncertain significance for BAP1-related tumor predisposition syndrome. Last evaluated: 2019-04-17. Review status: criteria provided, single submitter. Criteria: Invitae Variant Classification Sherloc (09022015). Collection method: clinical testing. Allele origin: germline.
Comment: This sequence change replaces glutamine with histidine at codon 729 of the BAP1 protein (p.Gln729His). The glutamine residue is highly conserved and there is a small physicochemical difference between glutamine and histidine. This variant is not present in population databases (ExAC no frequency). This variant has not been reported in the literature in individuals with BAP1-related conditions. Algorithms developed to predict the effect of missense changes on protein structure and function are either unavailable or do not agree on the potential impact of this missense change (SIFT: "Deleterious"; PolyPhen-2: "Benign"; Align-GVGD: "Class C0"). In summary, the available evidence is currently insufficient to determine the role of this variant in disease. Therefore, it has been classified as a Variant of Uncertain Significance.